The following is an entry in ClinVar:

NM_001385012.1(NBEA):c.5113T>C (p.Ser1705Pro)

Gene: NBEA (neurobeachin; plus strand). Cytogenetic location: 13q13.3.
Variant type: single nucleotide variant.
Coding change: c.5113T>C on transcript NM_001385012.1 (MANE Select); coding-DNA position 5113, T replaced by C.
Protein change: p.Ser1705Pro; replaces serine 1705 with proline.
Molecular consequence: missense variant.
Genome position (GRCh38, 1-based): chr13:35,196,049, T>C. VCF-style: chr13-35196049-T-C. GRCh37 (hg19) VCF-style: chr13-35770186-T-C.
Other names: c.5104T>C, p.Ser1702Pro (NM_001379245.1); c.5113T>C, p.Ser1705Pro (NM_015678.5); short protein forms S1702P, S1705P.
Identifiers: ClinVar variation 3356073 (VCV003356073.1).

ClinVar aggregate classification (germline): Uncertain significance (0 of 4 stars; one submission).

Conditions:
NBEA-related disorder. Also called: NBEA-related condition.

gnomAD v4.1: 9 of 1,613,550 alleles (0.00056%); highest among the groups gnomAD compares: South Asian, 0.0033%; no homozygotes.

Submission:

PreventionGenetics, part of Exact Sciences
Classification: Uncertain significance for NBEA-related condition. Last evaluated: 2024-04-25. Review status: no assertion criteria provided. Collection method: clinical testing. Allele origin: germline.
Comment: The NBEA c.5113T>C variant is predicted to result in the amino acid substitution p.Ser1705Pro. To our knowledge, this variant has not been reported in the literature. This variant is reported in 0.0065% of alleles in individuals of South Asian descent in gnomAD. At this time, the clinical significance of this variant is uncertain due to the absence of conclusive functional and genetic evidence.